The following is an entry in ClinVar:

ClinVar aggregate classification (germline): Uncertain significance. Review status: criteria provided, multiple submitters, no conflicts (2 of 4 stars). 2 submissions from 2 submitters: Uncertain significance (2). Last evaluated 2025-07-29.

gnomAD v4.1: 2 of 1,208,560 alleles (0.00017%); highest among the groups gnomAD compares: Admixed American, 0.0022%; no homozygotes.

Submissions (2):

Labcorp Genetics (formerly Invitae), Labcorp
Classification: Uncertain significance. Last evaluated: 2025-07-29. Review status: criteria provided, single submitter. Criteria: Invitae Variant Classification Sherloc (09022015). Collection method: clinical testing. Allele origin: germline.
Comment: This sequence change replaces leucine, which is neutral and non-polar, with valine, which is neutral and non-polar, at codon 536 of the SLC9A7 protein (p.Leu536Val). This variant is not present in population databases (gnomAD no frequency). This variant has not been reported in the literature in individuals affected with SLC9A7-related conditions. ClinVar contains an entry for this variant (Variation ID: 3445278). Invitae Evidence Modeling of protein sequence and biophysical properties (such as structural, functional, and spatial information, amino acid conservation, physicochemical variation, residue mobility, and thermodynamic stability) indicates that this missense variant is expected to disrupt SLC9A7 protein function with a positive predictive value of 80%. In summary, the available evidence is currently insufficient to determine the role of this variant in disease. Therefore, it has been classified as a Variant of Uncertain Significance.

Ambry Genetics
Classification: Uncertain significance. Last evaluated: 2024-10-29. Review status: criteria provided, single submitter. Criteria: Ambry Variant Classification Scheme 2023. Collection method: clinical testing. Allele origin: germline.

NM_001257291.2(SLC9A7):c.1606C>G (p.Leu536Val)

Gene: SLC9A7 (solute carrier family 9 member A7; minus strand). Cytogenetic location: Xp11.3.
Variant type: single nucleotide variant.
Coding change: c.1606C>G on transcript NM_001257291.2 (MANE Select); coding-DNA position 1606, C replaced by G.
Protein change: p.Leu536Val; replaces leucine 536 with valine.
Molecular consequence: missense variant.
Genome position (GRCh38, 1-based): chrX:46,643,246, G>C on the plus strand (C>G on the coding strand, the complement: SLC9A7 is on the minus strand). VCF-style: chrX-46643246-G-C. GRCh37 (hg19) VCF-style: chrX-46502681-G-C.
Other names: c.1603C>G, p.Leu535Val (NM_032591.3); short protein forms L536V, L535V.
Identifiers: ClinVar variation 3445278 (VCV003445278.2).